The following is an entry in ClinVar:

NM_000064.4(C3):c.3189C>G (p.Ser1063Arg)

Gene: C3 (complement C3; minus strand). Cytogenetic location: 19p13.3.
Variant type: single nucleotide variant.
Coding change: c.3189C>G on transcript NM_000064.4 (MANE Select); coding-DNA position 3189, C replaced by G.
Protein change: p.Ser1063Arg; replaces serine 1063 with arginine.
Molecular consequence: missense variant.
Genome position (GRCh38, 1-based): chr19:6,693,453, G>C on the plus strand (C>G on the coding strand, the complement: C3 is on the minus strand). VCF-style: chr19-6693453-G-C. GRCh37 (hg19) VCF-style: chr19-6693464-G-C.
Other names: short protein forms S1063R.
Identifiers: ClinVar variation 2880448 (VCV002880448.3), dbSNP rs758070480, ClinGen allele CA9128823.

ClinVar aggregate classification (germline): Uncertain significance (1 of 4 stars; one submission).

Allele frequency attached by ClinVar (database versions not stated): ExAC 0.00001.
gnomAD v4.1: 16 of 1,612,790 alleles (0.00099%); highest among the groups gnomAD compares: Non-Finnish European, 0.0013%; no homozygotes.

Submission:

Labcorp Genetics (formerly Invitae), Labcorp
Classification: Uncertain significance. Last evaluated: 2023-12-14. Review status: criteria provided, single submitter. Criteria: Invitae Variant Classification Sherloc (09022015). Collection method: clinical testing. Allele origin: germline.
Comment: This sequence change replaces serine, which is neutral and polar, with arginine, which is basic and polar, at codon 1063 of the C3 protein (p.Ser1063Arg). This variant is present in population databases (rs758070480, gnomAD 0.002%). This variant has not been reported in the literature in individuals affected with C3-related conditions. Advanced modeling of protein sequence and biophysical properties (such as structural, functional, and spatial information, amino acid conservation, physicochemical variation, residue mobility, and thermodynamic stability) performed at Invitae indicates that this missense variant is expected to disrupt C3 protein function with a positive predictive value of 80%. In summary, the available evidence is currently insufficient to determine the role of this variant in disease. Therefore, it has been classified as a Variant of Uncertain Significance.